The following is an entry in ClinVar:

ClinVar aggregate classification (germline): Pathogenic (1 of 4 stars; one submission).

Conditions:
Aicardi-Goutieres syndrome 5. Identifiers: Orphanet 51, MedGen C2749659, MONDO:0013059, OMIM 612952.

Submission:

Labcorp Genetics (formerly Invitae), Labcorp
Classification: Pathogenic for Aicardi Goutieres syndrome 5. Last evaluated: 2019-09-13. Review status: criteria provided, single submitter. Criteria: Invitae Variant Classification Sherloc (09022015). Collection method: clinical testing. Allele origin: germline.
Comment: This variant is a gross deletion of the genomic region encompassing exon 1 of the SAMHD1 gene, which includes the initiator codon. The 5' end of this event is unknown as it extends beyond the assayed region for this gene and therefore may encompass additional genes. The 3' boundary is likely confined to intron 1 of the SAMHD1 gene. This is expected to result in an absent or disrupted protein product. Gross deletions of exon 1 have been observed in individuals affected with Aicardi-Goutieres syndrome (PMID: 20653736, 24183309). Loss-of-function variants in SAMHD1 are known to be pathogenic (PMID: 19525956, 22461318). For these reasons, this variant has been classified as Pathogenic.

Literature cited by the submitters: PubMed 24183309; PubMed 20653736.

NC_000020.11:g.(?_36951416)_(36951663_?)del

Genes: SAMHD1 (SAM and HD domain containing deoxynucleoside triphosphate triphosphohydrolase 1; minus strand), LOC130065805 (ATAC-STARR-seq lymphoblastoid silent region 12883; plus strand). Cytogenetic location: 20q11.23.
Variant type: Deletion.
Identifiers: ClinVar variation 658990 (VCV000658990.2).